The following is an entry in ClinVar:

ClinVar aggregate classification (germline): Uncertain significance. Review status: criteria provided, multiple submitters, no conflicts (2 of 4 stars). 2 submissions from 2 submitters: Uncertain significance (2). Last evaluated 2024-05-08.

gnomAD v4.1: 2 of 1,613,064 alleles (0.00012%); highest among the groups gnomAD compares: South Asian, 0.0011%; no homozygotes.

Submissions (2):

Women's Health and Genetics/Laboratory Corporation of America, LabCorp
Classification: Uncertain significance. Last evaluated: 2024-05-08. Review status: criteria provided, single submitter. Criteria: LabCorp Variant Classification Summary - May 2015. Collection method: clinical testing. Allele origin: germline.
Comment: Variant summary: EIF2B2 c.682A>G (p.Arg228Gly) results in a non-conservative amino acid change in the encoded protein sequence. Five of five in-silico tools predict a damaging effect of the variant on protein function. The variant allele was found at a frequency of 4e-06 in 251466 control chromosomes. The available data on variant occurrences in the general population are insufficient to allow any conclusion about variant significance. c.682A>G has been reported in the literature in one individual affected with Leukoencephalopathy With Vanishing White Matter (Shimada_2015). These data do not allow any conclusion about variant significance. To our knowledge, no experimental evidence demonstrating an impact on protein function has been reported. The following publication have been ascertained in the context of this evaluation (PMID: 25843247). ClinVar contains an entry for this variant (Variation ID: 2137606). Based on the evidence outlined above, the variant was classified as uncertain significance.

Labcorp Genetics (formerly Invitae), Labcorp
Classification: Uncertain significance. Last evaluated: 2021-12-12. Review status: criteria provided, single submitter. Criteria: Invitae Variant Classification Sherloc (09022015). Collection method: clinical testing. Allele origin: germline.
Comment: Algorithms developed to predict the effect of missense changes on protein structure and function (SIFT, PolyPhen-2, Align-GVGD) all suggest that this variant is likely to be disruptive. This sequence change replaces arginine, which is basic and polar, with glycine, which is neutral and non-polar, at codon 228 of the EIF2B2 protein (p.Arg228Gly). This variant is present in population databases (rs748685143, gnomAD 0.003%). This missense change has been observed in individual(s) with clinical features of leukoencephalopathy with vanishing white matter (PMID: 25843247). In at least one individual the data is consistent with being in trans (on the opposite chromosome) from a pathogenic variant. Algorithms developed to predict the effect of sequence changes on RNA splicing suggest that this variant may create or strengthen a splice site. In summary, the available evidence is currently insufficient to determine the role of this variant in disease. Therefore, it has been classified as a Variant of Uncertain Significance.

Literature cited by the submitters: PubMed 25843247 (cited by Women's Health and Genetics/Laboratory Corporation of America, LabCorp and Labcorp Genetics (formerly Invitae), Labcorp).

NM_014239.4(EIF2B2):c.682A>G (p.Arg228Gly)

Gene: EIF2B2 (eukaryotic translation initiation factor 2B subunit beta; plus strand). Cytogenetic location: 14q24.3.
Variant type: single nucleotide variant.
Coding change: c.682A>G on transcript NM_014239.4 (MANE Select); coding-DNA position 682, A replaced by G.
Protein change: p.Arg228Gly; replaces arginine 228 with glycine.
Molecular consequence: missense variant.
Genome position (GRCh38, 1-based): chr14:75,005,950, A>G. VCF-style: chr14-75005950-A-G. GRCh37 (hg19) VCF-style: chr14-75472653-A-G.
Other names: short protein forms R228G.
Identifiers: ClinVar variation 2137606 (VCV002137606.5), dbSNP rs748685143, ClinGen allele CA7275018.